The following is an entry in ClinVar:

ClinVar aggregate classification (germline): Uncertain significance (1 of 4 stars; one submission).

Conditions:
X-linked Alport syndrome (ATS1). Also called: NEPHROPATHY AND DEAFNESS, X-LINKED; COL4A5-Related Nephropathy. Identifiers: Orphanet 63, Orphanet 88917, MedGen C4746986, MONDO:0010520, OMIM 301050.

Submission:

MVZ Medizinische Genetik Mainz
Classification: Uncertain significance for X-linked Alport syndrome. Last evaluated: 2026-09-01. Review status: criteria provided, single submitter. Criteria: UK Practice Guidelines For Variant Classification V4 01 2020. Collection method: clinical testing. Allele origin: germline. Inheritance: X-linked dominant inheritance. Affected: yes. Observed: 1 variant allele.
Comment: ACMG Criteria: PM2_SUP

NM_033380.3(COL4A5):c.4529-2193T>A

Gene: COL4A5 (collagen type IV alpha 5 chain; plus strand). Cytogenetic location: Xq22.3.
Variant type: single nucleotide variant.
Coding change: c.4529-2193T>A on transcript NM_033380.3 (MANE Select); 2193 bases into the intron before coding-DNA position 4529, T replaced by A.
Molecular consequence: intron variant.
Genome position (GRCh38, 1-based): chrX:108,690,555, T>A. VCF-style: chrX-108690555-T-A. GRCh37 (hg19) VCF-style: chrX-107933785-T-A.
Other names: c.4511-2193T>A (NM_000495.5).
Identifiers: ClinVar variation 5010168 (VCV005010168.1).
Genomic context (GRCh38, chrX:108,690,555, plus strand): 5'-CATACCCCTTTGAATATATGAAGAATTTCCATGATGCACAGAGGCATTATTTTTTAAAAA[T>A]CAAATTTCAACTCCTCGACTTTTATATGTATTTTCTCCTAAAGTCAATCTGACTTTAGCA-3'